The following is an entry in ClinVar:

NM_007294.4(BRCA1):c.4591del (p.Val1531fs)

Gene: BRCA1 (BRCA1 DNA repair associated; minus strand). Cytogenetic location: 17q21.31.
Variant type: Deletion.
Coding change: c.4591del on transcript NM_007294.4 (MANE Select); coding-DNA position 4591, one base deleted (G; older notation c.4591delG).
Protein change: p.Val1531fs; shifts the reading frame from valine 1531.
Molecular consequence: frameshift variant. On other transcripts: non-coding transcript variant (1).
Genome position (GRCh38, 1-based): chr17:43,074,415, C deleted on the plus strand (G on the coding strand, the reverse complement: BRCA1 is on the minus strand); the first of 2 consecutive C bases (chr17:43,074,415-43,074,416); deleting either gives the same sequence. VCF-style (leftmost placement, unchanged base first): chr17-43074414-AC-A. GRCh37 (hg19) VCF-style: chr17-41226431-AC-A.
Other names: 4709delG; c.1137delG, p.Val380Leufs (NM_001408460.1, NM_001408461.1, NM_001408462.1 and 7 more transcripts); c.1134delG, p.Val379Leufs (NM_001408468.1, NM_001408469.1, NM_001408470.1); c.1278delG, p.Val427Leufs (NM_001408472.1, NM_007298.4, NM_007304.2 and 12 more transcripts); c.1275delG, p.Val426Leufs (NM_001408473.1, NM_001408392.1, NM_001408396.1 and 8 more transcripts); c.1080delG, p.Val361Leufs (NM_001408474.1); c.1077delG, p.Val360Leufs (NM_001408475.1, NM_001408476.1); c.1071delG, p.Val358Leufs (NM_001408478.1, NM_001408479.1, NM_001408480.1); and 72 more; short protein forms V1552fs, V427fs, V1484fs, V1531fs.
Identifiers: ClinVar variation 266485 (VCV000266485.6), dbSNP rs886040238, ClinGen allele CA10589654.

ClinVar aggregate classification (germline): Pathogenic. Review status: reviewed by expert panel (3 of 4 stars). 2 submissions from 2 submitters: Pathogenic (1). 1 of the submissions does not count toward it. Last evaluated 2016-10-18.

Conditions:
Breast-ovarian cancer, familial, susceptibility to, 1 (BROVCA1). Also called: BRCA1 Hereditary Breast and Ovarian Cancer; OVARIAN CANCER, SUSCEPTIBILITY TO. Identifiers: Orphanet 145, MedGen C2676676, MONDO:0011450, OMIM 604370. Disease mechanism: loss of function.

Submissions (2):

Evidence-based Network for the Interpretation of Germline Mutant Alleles (ENIGMA)
Classification: Pathogenic for Breast-ovarian cancer, familial, susceptibility to, 1. Last evaluated: 2016-10-18. Review status: reviewed by expert panel. Criteria: ENIGMA BRCA1/2 Classification Criteria (2015). Collection method: curation. Allele origin: germline.
Comment: Variant allele predicted to encode a truncated non-functional protein.

Consortium of Investigators of Modifiers of BRCA1/2 (CIMBA), c/o University of Cambridge
Classification: Pathogenic for Breast-ovarian cancer, familial, susceptibility to, 1. Last evaluated: 2015-10-02. Review status: criteria provided, single submitter. Criteria: CIMBA Mutation Classification guidelines May 2016. Collection method: clinical testing. Allele origin: germline. Not counted in ClinVar's aggregate classification.